The following is an entry in ClinVar:

ClinVar aggregate classification (germline): Benign/Likely benign. Review status: criteria provided, multiple submitters, no conflicts (2 of 4 stars). 4 submissions from 4 submitters: Benign (2); Likely benign (2). Last evaluated 2026-01-19.

Conditions:
Colorectal cancer, susceptibility to, 12 (CRCS12). Also called: COLORECTAL CANCER, SUSCEPTIBILITY TO, ON CHROMOSOME 12q24. Identifiers: Orphanet 220460, MedGen C3554460, MONDO:0014038, OMIM 615083.
Hereditary cancer-predisposing syndrome. Also called: Neoplastic Syndromes, Hereditary; Tumor predisposition; Hereditary Cancer Syndrome; Hereditary neoplastic syndrome. Identifiers: Orphanet 140162, MedGen C0027672, MeSH D009386, MONDO:0015356.

Allele frequency attached by ClinVar (database versions not stated): TOPMed below 0.00001; gnomAD exomes 0.00001 and 0.00003; ExAC 0.00003.

Submissions (4):

Labcorp Genetics (formerly Invitae), Labcorp
Classification: Likely benign. Last evaluated: 2026-01-19. Review status: criteria provided, single submitter. Criteria: Invitae Variant Classification Sherloc (09022015). Collection method: clinical testing. Allele origin: germline.

Myriad Genetics, Inc.
Classification: Benign for Colorectal cancer, susceptibility to, 12. Last evaluated: 2025-02-10. Review status: criteria provided, single submitter. Criteria: Myriad Autosomal Dominant, Autosomal Recessive and X-Linked Classification Criteria (2023). Collection method: clinical testing. Allele origin: unknown.
Comment: This variant is considered benign. This variant is a silent/synonymous amino acid change and it is not expected to impact splicing.

Quest Diagnostics Nichols Institute San Juan Capistrano
Classification: Benign. Last evaluated: 2019-10-11. Review status: criteria provided, single submitter. Criteria: Quest Diagnostics criteria. Collection method: clinical testing. Allele origin: unknown.

Ambry Genetics
Classification: Likely benign for Hereditary cancer-predisposing syndrome. Last evaluated: 2015-09-15. Review status: criteria provided, single submitter. Criteria: Ambry Variant Classification Scheme 2023. Collection method: clinical testing. Allele origin: germline.

NM_006231.4(POLE):c.1110A>G (p.Pro370=)

Gene: POLE (DNA polymerase epsilon, catalytic subunit; minus strand). Cytogenetic location: 12q24.33.
Variant type: single nucleotide variant.
Coding change: c.1110A>G on transcript NM_006231.4 (MANE Select); coding-DNA position 1110, A replaced by G.
Protein change: p.Pro370=; no amino-acid change (proline 370 retained).
Molecular consequence: synonymous variant.
Genome position (GRCh38, 1-based): chr12:132,675,514, T>C on the plus strand (A>G on the coding strand, the complement: POLE is on the minus strand). VCF-style: chr12-132675514-T-C. GRCh37 (hg19) VCF-style: chr12-133252100-T-C.
Identifiers: ClinVar variation 484474 (VCV000484474.18), dbSNP rs772386963, ClinGen allele CA6894066.
Genomic context (GRCh38, chr12:132,675,514, plus strand): 5'-CTGGAAGCCTATCTCCTGCTGCATGCTCAGACCGTGGACTGCTGCCCGGGCCTCCACAAA[T>C]GGCCTGGGTTGGAAAGAGGACAGACAAGCAAGTGGGCAGGTCAGGCTCTAATGCCCCTTT-3'
Protein context (NP_006222.2, residues 360-380): VTYNGDFFDW[Pro370=]FVEARAAVHG